The following is an entry in ClinVar:

NM_198129.4(LAMA3):c.8446del (p.Leu2816fs)

Gene: LAMA3 (laminin subunit alpha 3; plus strand). Cytogenetic location: 18q11.2.
Variant type: Deletion.
Coding change: c.8446del on transcript NM_198129.4 (MANE Select); coding-DNA position 8446, one base deleted (C; older notation c.8446delC).
Protein change: p.Leu2816fs; shifts the reading frame from leucine 2816.
Molecular consequence: frameshift variant.
Genome position (GRCh38, 1-based): chr18:23,931,071, C deleted; the last of 2 consecutive C bases (chr18:23,931,070-23,931,071); deleting either gives the same sequence. VCF-style (leftmost placement, unchanged base first): chr18-23931069-AC-A. GRCh37 (hg19) VCF-style: chr18-21511033-AC-A.
Other names: c.3619del, p.Leu1207fs (NM_000227.6); c.8278del, p.Leu2760fs (NM_001127717.4); c.3451del, p.Leu1151fs (NM_001127718.4); short protein forms L1207fs, L1151fs, L2760fs, L2816fs.
Identifiers: ClinVar variation 2801726 (VCV002801726.3), dbSNP rs1963371063, ClinGen allele CA2290335723.

ClinVar aggregate classification (germline): Pathogenic (1 of 4 stars; one submission).

Submission:

Labcorp Genetics (formerly Invitae), Labcorp
Classification: Pathogenic. Last evaluated: 2023-03-27. Review status: criteria provided, single submitter. Criteria: Invitae Variant Classification Sherloc (09022015). Collection method: clinical testing. Allele origin: germline.
Comment: For these reasons, this variant has been classified as Pathogenic. This variant has not been reported in the literature in individuals affected with LAMA3-related conditions. This variant is not present in population databases (gnomAD no frequency). This sequence change creates a premature translational stop signal (p.Leu1207Cysfs*12) in the LAMA3 gene. It is expected to result in an absent or disrupted protein product. Loss-of-function variants in LAMA3 are known to be pathogenic (PMID: 10366601, 11810295, 12915477, 16473856, 17362460, 22434185, 23869449, 27827380, 28087116).

Literature cited by the submitters: PubMed 10366601; PubMed 11810295; PubMed 12915477; PubMed 16473856; PubMed 17362460; PubMed 22434185; PubMed 23869449; PubMed 27827380; PubMed 28087116.